The following is an entry in ClinVar:

ClinVar aggregate classification (germline): Pathogenic. Review status: criteria provided, multiple submitters, no conflicts (2 of 4 stars). 4 submissions from 4 submitters: Pathogenic (4). Last evaluated 2023-04-28.

Conditions:
Familial adenomatous polyposis 1 (FAP1). Also called: POLYPOSIS, ADENOMATOUS INTESTINAL; FAMILIAL ADENOMATOUS POLYPOSIS 1, ATTENUATED. Identifiers: MedGen C2713442, MONDO:0021056, OMIM 175100. Disease mechanism: loss of function.
Hereditary cancer-predisposing syndrome. Also called: Tumor predisposition; Neoplastic Syndromes, Hereditary; Hereditary Cancer Syndrome; Hereditary neoplastic syndrome. Identifiers: Orphanet 140162, MedGen C0027672, MeSH D009386, MONDO:0015356.

Submissions (4):

Myriad Genetics, Inc.
Classification: Pathogenic for Familial adenomatous polyposis 1. Last evaluated: 2023-04-28. Review status: criteria provided, single submitter. Criteria: Myriad Autosomal Dominant, Autosomal Recessive and X-Linked Classification Criteria (2023). Collection method: clinical testing. Allele origin: unknown.
Comment: This variant is considered pathogenic. This variant creates a frameshift predicted to result in premature protein truncation.

Labcorp Genetics (formerly Invitae), Labcorp
Classification: Pathogenic for Familial adenomatous polyposis 1. Last evaluated: 2020-12-26. Review status: criteria provided, single submitter. Criteria: Invitae Variant Classification Sherloc (09022015). Collection method: clinical testing. Allele origin: germline.
Comment: For these reasons, this variant has been classified as Pathogenic. Loss-of-function variants in APC are known to be pathogenic (PMID: 17963004, 20685668). This variant has been observed in an individual undergoing testing for familial adenomatous polyposis (PMID: 23159591). This variant is not present in population databases (ExAC no frequency). This sequence change creates a premature translational stop signal (p.Leu410Trpfs*44) in the APC gene. It is expected to result in an absent or disrupted protein product.

Ambry Genetics
Classification: Pathogenic for Hereditary cancer-predisposing syndrome. Last evaluated: 2020-10-06. Review status: criteria provided, single submitter. Criteria: Ambry Variant Classification Scheme 2023. Collection method: clinical testing. Allele origin: germline.
Comment: The c.1229delT pathogenic mutation, located in coding exon 9 of the APC gene, results from a deletion of one nucleotide at nucleotide position 1229, causing a translational frameshift with a predicted alternate stop codon (p.L410Wfs*44). In a series of 1591 patients referred for APC testing, this alteration was detected in 1 individual (Kerr SE et al, 2013 Jan;15:31-43). In addition to the clinical data presented in the literature, this alteration is expected to result in loss of function by premature protein truncation or nonsense-mediated mRNA decay. As such, this alteration is interpreted as a disease-causing mutation.

Quest Diagnostics Nichols Institute San Juan Capistrano
Classification: Pathogenic. Last evaluated: 2018-11-09. Review status: criteria provided, single submitter. Criteria: Quest Diagnostics criteria. Collection method: clinical testing. Allele origin: germline.
Comment: The variant results in a shift of the reading frame, and is therefore predicted to result in the loss of a functional protein. Found in at least one symptomatic patient, and not found in general population data.

Literature cited by the submitters: PubMed 17963004 (cited by Labcorp Genetics (formerly Invitae), Labcorp); PubMed 20685668 (cited by Labcorp Genetics (formerly Invitae), Labcorp); PubMed 23159591 (cited by 3 submitters).

NM_000038.6(APC):c.1229del (p.Leu410fs)

Gene: APC (APC regulator of Wnt signaling pathway; plus strand). Cytogenetic location: 5q22.2.
Variant type: Deletion.
Coding change: c.1229del on transcript NM_000038.6 (MANE Select); coding-DNA position 1229, one base deleted (T; older notation c.1229delT).
Protein change: p.Leu410fs; shifts the reading frame from leucine 410.
Molecular consequence: frameshift variant. On other transcripts: intron variant (4).
Genome position (GRCh38, 1-based): chr5:112,819,261, T deleted; the last of 4 consecutive T bases (chr5:112,819,258-112,819,261); deleting any one gives the same sequence. VCF-style (leftmost placement, unchanged base first): chr5-112819257-CT-C. GRCh37 (hg19) VCF-style: chr5-112154954-CT-C.
Other names: c.1052del, p.Leu351fs (NM_001354900.2, NM_001354901.2); c.964-8del (NM_001354902.2); c.1154del, p.Leu385fs (NM_001354898.2); c.1145del, p.Leu382fs (NM_001354899.2); c.380del, p.Leu127fs (NM_001354906.2); c.1229del, p.Leu410fs (NM_001127510.3, NM_001354895.2, NM_001354896.2); c.1175del, p.Leu392fs (NM_001127511.3); c.1259del, p.Leu420fs (NM_001354897.2); and 4 more; short protein forms L127fs, L351fs, L382fs, L420fs, L385fs, L392fs, L410fs.
Identifiers: ClinVar variation 801027 (VCV000801027.17), dbSNP rs863225308, ClinGen allele CA915942595.
Genomic context (GRCh38, chr5:112,819,257, plus strand): 5'-AACATCATTCACTCACAGCCTGATGACAAGAGAGGCAGGCGTGAAATCCGAGTCCTTCAT[CT>C]TTTGGAACAGATACGCGCTTACTGTGAAACCTGTTGGGAGTGGCAGGAAGCTCATGAACC-3'